The following is an entry in ClinVar:

NM_003835.4(RGS9):c.132C>G (p.Thr44=)

Gene: RGS9 (regulator of G protein signaling 9; plus strand). Cytogenetic location: 17q24.1.
Variant type: single nucleotide variant.
Coding change: c.132C>G on transcript NM_003835.4 (MANE Select); coding-DNA position 132, C replaced by G.
Protein change: p.Thr44=; no amino-acid change (threonine 44 retained).
Molecular consequence: synonymous variant.
Genome position (GRCh38, 1-based): chr17:65,153,496, C>G. VCF-style: chr17-65153496-C-G. GRCh37 (hg19) VCF-style: chr17-63149614-C-G.
Other names: c.132C>G, p.Thr44= (NM_001165933.2, NM_001081955.3); c.132C>G (NM_003835.3).
Identifiers: ClinVar variation 1103817 (VCV001103817.12), dbSNP rs370780859, ClinGen allele CA8717491.

ClinVar aggregate classification (germline): Likely benign. Review status: criteria provided, multiple submitters, no conflicts (2 of 4 stars). 3 submissions from 3 submitters: Likely benign (3). Last evaluated 2026-06-20.

Conditions:
RGS9-related disorder. Also called: RGS9-related condition.

Allele frequency attached by ClinVar (database versions not stated): gnomAD exomes 0.00005; ExAC 0.00007; gnomAD 0.00019 and 0.00024; ESP Exome Variant Server 0.00024.
gnomAD v4.1: 55 of 1,613,976 alleles (0.0034%); highest among the groups gnomAD compares: African/African-American, 0.067%; no homozygotes.

Submissions (3):

PreventionGenetics, part of Exact Sciences
Classification: Likely benign for RGS9-related condition. Last evaluated: 2026-06-20. Review status: criteria provided, single submitter. Criteria: ACMG Guidelines, 2015. Collection method: clinical testing. Allele origin: germline.
Comment: This variant is classified as likely benign based on ACMG/AMP sequence variant interpretation guidelines (Richards et al. 2015 PMID: 25741868, with internal and published modifications).

Labcorp Genetics (formerly Invitae), Labcorp
Classification: Likely benign. Last evaluated: 2025-08-21. Review status: criteria provided, single submitter. Criteria: Invitae Variant Classification Sherloc (09022015). Collection method: clinical testing. Allele origin: germline.

Blueprint Genetics
Classification: Likely benign. Last evaluated: 2023-12-08. Review status: criteria provided, single submitter. Criteria: ACMG Guidelines, 2015. Collection method: clinical testing. Allele origin: germline.